The following is an entry in ClinVar:

ClinVar aggregate classification (germline): Conflicting classifications of pathogenicity. Review status: criteria provided, conflicting classifications (1 of 4 stars). 3 submissions from 3 submitters: Uncertain significance (2); Likely benign (1). Last evaluated 2026-01-19.

Conditions:
Charcot-Marie-Tooth disease. Also called: Charcot-Marie-Tooth Hereditary Neuropathy; Charcot-Marie-Tooth Neuropathy. Identifiers: Orphanet 166, MedGen C0007959, MONDO:0015626.
Charcot-Marie-Tooth disease, type I (CMT1). Also called: Charcot-Marie-Tooth, Type 1; Charcot-Marie-Tooth disease type 1. Identifiers: Orphanet 65753, MedGen C0751036, MONDO:0019011.

Allele frequency attached by ClinVar (database versions not stated): 1000 Genomes Project 30x 0.00016; 1000 Genomes Project 0.00020; gnomAD exomes 0.00002 and 0.00006; TOPMed 0.00003; gnomAD 0.00004; ExAC 0.00009.
gnomAD v4.1: 37 of 1,614,230 alleles (0.0023%); highest among the groups gnomAD compares: South Asian, 0.022%; no homozygotes.

Submissions (3):

Labcorp Genetics (formerly Invitae), Labcorp
Classification: Uncertain significance for Charcot-Marie-Tooth disease, type I. Last evaluated: 2026-01-19. Review status: criteria provided, single submitter. Criteria: Invitae Variant Classification Sherloc (09022015). Collection method: clinical testing. Allele origin: germline.
Comment: This sequence change replaces glutamic acid, which is acidic and polar, with lysine, which is basic and polar, at codon 71 of the MPZ protein (p.Glu71Lys). This variant is present in population databases (rs573007540, gnomAD 0.04%), and has an allele count higher than expected for a pathogenic variant. This missense change has been observed in individual(s) with Charcot-Marie-Tooth disease (PMID: 32376792, 34060176). ClinVar contains an entry for this variant (Variation ID: 805017). Invitae Evidence Modeling of protein sequence and biophysical properties (such as structural, functional, and spatial information, amino acid conservation, physicochemical variation, residue mobility, and thermodynamic stability) indicates that this missense variant is not expected to disrupt MPZ protein function with a negative predictive value of 80%. In summary, the available evidence is currently insufficient to determine the role of this variant in disease. Therefore, it has been classified as a Variant of Uncertain Significance.

Athena Diagnostics
Classification: Likely benign. Last evaluated: 2018-08-23. Review status: criteria provided, single submitter. Criteria: Athena Diagnostics Criteria. Collection method: clinical testing. Allele origin: germline.

Molecular Genetics Laboratory, London Health Sciences Centre
Classification: Uncertain significance for Charcot-Marie-Tooth disease. Review status: criteria provided, single submitter. Criteria: ACMG Guidelines, 2015. Collection method: clinical testing. Allele origin: germline. Affected: yes.

Literature cited by the submitters: PubMed 32376792 (cited by Labcorp Genetics (formerly Invitae), Labcorp); PubMed 34060176 (cited by Labcorp Genetics (formerly Invitae), Labcorp).

NM_000530.8(MPZ):c.211G>A (p.Glu71Lys)

Gene: MPZ (myelin protein zero; minus strand). Cytogenetic location: 1q23.3.
Variant type: single nucleotide variant.
Coding change: c.211G>A on transcript NM_000530.8 (MANE Select); coding-DNA position 211, G replaced by A.
Protein change: p.Glu71Lys; replaces glutamic acid 71 with lysine.
Molecular consequence: missense variant.
Genome position (GRCh38, 1-based): chr1:161,307,281, C>T on the plus strand (G>A on the coding strand, the complement: MPZ is on the minus strand). VCF-style: chr1-161307281-C-T. GRCh37 (hg19) VCF-style: chr1-161277071-C-T.
Other names: c.211G>A, p.Glu71Lys (NM_001315491.2); short protein forms E71K.
Identifiers: ClinVar variation 805017 (VCV000805017.8), dbSNP rs573007540, ClinGen allele CA1210214.